The following is an entry in ClinVar:

ClinVar aggregate classification (germline): Uncertain significance (1 of 4 stars; one submission).

Conditions:
Tooth agenesis, selective, 4 (STHAG4). Also called: LATERAL INCISORS, ABSENCE OF; LATERAL INCISORS, PEGGED OR MISSING; SUCCEDANEOUS TEETH, AGENESIS OF; TOOTH AGENESIS, SELECTIVE, 4, WITH OR WITHOUT ECTODERMAL DYSPLASIA. Identifiers: Orphanet 99798, MedGen C1835492, MONDO:0007881, OMIM 150400. Disease mechanism: loss of function.
Odonto-onycho-dermal dysplasia. Identifiers: Orphanet 2721, MedGen C0796093, MONDO:0009773, OMIM 257980.

gnomAD v4.1: 1 of 1,614,124 alleles (0.000062%); highest among the groups gnomAD compares: Non-Finnish European, 0.000085%; no homozygotes.

Submission:

Labcorp Genetics (formerly Invitae), Labcorp
Classification: Uncertain significance for Tooth agenesis, selective, 4; Odonto-onycho-dermal dysplasia. Last evaluated: 2024-08-21. Review status: criteria provided, single submitter. Criteria: Invitae Variant Classification Sherloc (09022015). Collection method: clinical testing. Allele origin: germline.
Comment: This sequence change replaces glycine, which is neutral and non-polar, with cysteine, which is neutral and slightly polar, at codon 88 of the WNT10A protein (p.Gly88Cys). This variant is not present in population databases (gnomAD no frequency). This missense change has been observed in individual(s) with ectodermal dysplasia (internal data). Invitae Evidence Modeling of protein sequence and biophysical properties (such as structural, functional, and spatial information, amino acid conservation, physicochemical variation, residue mobility, and thermodynamic stability) indicates that this missense variant is expected to disrupt WNT10A protein function with a positive predictive value of 80%. In summary, the available evidence is currently insufficient to determine the role of this variant in disease. Therefore, it has been classified as a Variant of Uncertain Significance.

NM_025216.3(WNT10A):c.262G>T (p.Gly88Cys)

Gene: WNT10A (Wnt family member 10A; plus strand). Cytogenetic location: 2q35.
Variant type: single nucleotide variant.
Coding change: c.262G>T on transcript NM_025216.3 (MANE Select); coding-DNA position 262, G replaced by T.
Protein change: p.Gly88Cys; replaces glycine 88 with cysteine.
Molecular consequence: missense variant.
Genome position (GRCh38, 1-based): chr2:218,882,309, G>T. VCF-style: chr2-218882309-G-T. GRCh37 (hg19) VCF-style: chr2-219747031-G-T.
Other names: short protein forms G88C.
Identifiers: ClinVar variation 3757606 (VCV003757606.2).